The following is an entry in ClinVar:

NM_177939.3(P4HTM):c.1073+36T>G

Gene: P4HTM (prolyl 4-hydroxylase, transmembrane; plus strand). Cytogenetic location: 3p21.31.
Variant type: single nucleotide variant.
Coding change: c.1073+36T>G on transcript NM_177939.3 (MANE Select); 36 bases into the intron after coding-DNA position 1073, T replaced by G.
Molecular consequence: intron variant. On other transcripts: missense variant (1).
Genome position (GRCh38, 1-based): chr3:49,005,082, T>G. VCF-style: chr3-49005082-T-G. GRCh37 (hg19) VCF-style: chr3-49042515-T-G.
Other names: c.1109T>G, p.Leu370Arg (NM_177938.2); short protein forms L370R.
Identifiers: ClinVar variation 2653812 (VCV002653812.26), dbSNP rs62621815, ClinGen allele CA2388468.

ClinVar aggregate classification (germline): Conflicting classifications of pathogenicity. Review status: criteria provided, conflicting classifications (1 of 4 stars). 3 submissions from 3 submitters: Uncertain significance (1); Likely benign (1). 1 of the submissions does not count toward it. Last evaluated 2025-08-02.

Conditions:
P4HTM-related disorder. Also called: P4HTM-related condition.
Inborn genetic diseases. Identifiers: MedGen C0950123, MeSH D030342.

Allele frequency attached by ClinVar (database versions not stated): gnomAD exomes 0.00017; ExAC 0.00057; gnomAD 0.00139; ESP Exome Variant Server 0.00146; TOPMed 0.00162; 1000 Genomes Project 0.00419; 1000 Genomes Project 30x 0.00468.
gnomAD v4.1: 475 of 1,613,746 alleles (0.029%); highest among the groups gnomAD compares: African/African-American, 0.42%; 4 homozygotes.

Submissions (3):

Ambry Genetics
Classification: Uncertain significance for Inborn genetic diseases. Last evaluated: 2025-08-02. Review status: criteria provided, single submitter. Criteria: Ambry Variant Classification Scheme 2023. Collection method: clinical testing. Allele origin: germline.

CeGaT Center for Human Genetics Tuebingen
Classification: Likely benign. Last evaluated: 2022-11-01. Review status: criteria provided, single submitter. Criteria: CeGaT Center For Human Genetics Tuebingen Variant Classification Criteria Version 2. Collection method: clinical testing. Allele origin: germline. Affected: yes. Observed: 1 variant allele.
Comment: P4HTM: BP4, BS2

PreventionGenetics, part of Exact Sciences
Classification: Likely benign for P4HTM-related condition. Last evaluated: 2022-02-01. Review status: no assertion criteria provided. Collection method: clinical testing. Allele origin: germline. Not counted in ClinVar's aggregate classification.
Comment: This variant is classified as likely benign based on ACMG/AMP sequence variant interpretation guidelines (Richards et al. 2015 PMID: 25741868, with internal and published modifications).